The following is an entry in ClinVar:

NM_138694.4(PKHD1):c.2990T>A (p.Met997Lys)

Gene: PKHD1 (PKHD1 ciliary IPT domain containing fibrocystin/polyductin; minus strand). Cytogenetic location: 6p12.2.
Variant type: single nucleotide variant.
Coding change: c.2990T>A on transcript NM_138694.4 (MANE Select); coding-DNA position 2990, T replaced by A.
Protein change: p.Met997Lys; replaces methionine 997 with lysine.
Molecular consequence: missense variant.
Genome position (GRCh38, 1-based): chr6:52,042,966, A>T on the plus strand (T>A on the coding strand, the complement: PKHD1 is on the minus strand). VCF-style: chr6-52042966-A-T. GRCh37 (hg19) VCF-style: chr6-51907764-A-T.
Other names: c.2990T>A, p.Met997Lys (NM_170724.3); c.2990T>A (NM_138694.3); short protein forms M997K.
Identifiers: ClinVar variation 1071998 (VCV001071998.11), dbSNP rs2128182593, ClinGen allele CA364442129.

ClinVar aggregate classification (germline): Conflicting classifications of pathogenicity. Review status: criteria provided, conflicting classifications (1 of 4 stars). 2 submissions from 2 submitters: Pathogenic (1); Uncertain significance (1). Last evaluated 2026-01-19.

Conditions:
Autosomal recessive polycystic kidney disease (ARPKD). Also called: AR polycystic kidney disease. Identifiers: Orphanet 731, Orphanet 8378, MedGen C0085548, MeSH D017044, MONDO:0009889.
Polycystic kidney disease 4 (PKD4). Also called: POLYCYSTIC KIDNEY AND HEPATIC DISEASE 1; POLYCYSTIC KIDNEY DISEASE, INFANTILE, TYPE I; POLYCYSTIC KIDNEY DISEASE 4 WITH OR WITHOUT POLYCYSTIC LIVER DISEASE; PKD3; Autosomal Recessive Polycystic Kidney Disease – PKHD1. Identifiers: MedGen C4540575, MONDO:0033004, OMIM 263200.

Allele frequency attached by ClinVar (database versions not stated): gnomAD exomes below 0.00001.
gnomAD v4.1: 2 of 1,614,042 alleles (0.00012%); highest among the groups gnomAD compares: Non-Finnish European, 0.00017%; no homozygotes.

Submissions (2):

Labcorp Genetics (formerly Invitae), Labcorp
Classification: Pathogenic for Autosomal recessive polycystic kidney disease. Last evaluated: 2026-01-19. Review status: criteria provided, single submitter. Criteria: Invitae Variant Classification Sherloc (09022015). Collection method: clinical testing. Allele origin: germline.
Comment: This sequence change replaces methionine, which is neutral and non-polar, with lysine, which is basic and polar, at codon 997 of the PKHD1 protein (p.Met997Lys). This variant is not present in population databases (gnomAD no frequency). This missense change has been observed in individual(s) with polycystic kidney disease (PMID: 12506140, 15698423). In at least one individual the data is consistent with being in trans (on the opposite chromosome) from a pathogenic variant. It has also been observed to segregate with disease in related individuals. ClinVar contains an entry for this variant (Variation ID: 1071998). Invitae Evidence Modeling of protein sequence and biophysical properties (such as structural, functional, and spatial information, amino acid conservation, physicochemical variation, residue mobility, and thermodynamic stability) has been performed for this missense variant. However, the output from this modeling did not meet the statistical confidence thresholds required to predict the impact of this variant on PKHD1 protein function. For these reasons, this variant has been classified as Pathogenic.

Revvity Omics, Revvity
Classification: Uncertain significance for Polycystic kidney disease 4. Last evaluated: 2024-01-11. Review status: criteria provided, single submitter. Criteria: ACMG Guidelines, 2015. Collection method: clinical testing. Allele origin: germline.

Literature cited by the submitters: PubMed 12506140 (cited by Labcorp Genetics (formerly Invitae), Labcorp); PubMed 15698423 (cited by Labcorp Genetics (formerly Invitae), Labcorp).